The following is an entry in ClinVar:

ClinVar aggregate classification (germline): Conflicting classifications of pathogenicity. Review status: criteria provided, conflicting classifications (1 of 4 stars). 2 submissions from 2 submitters: Uncertain significance (1); Likely benign (1). Last evaluated 2025-07-12.

Conditions:
Hereditary cancer-predisposing syndrome. Also called: Tumor predisposition; Neoplastic Syndromes, Hereditary; Hereditary Cancer Syndrome; Hereditary neoplastic syndrome. Identifiers: Orphanet 140162, MedGen C0027672, MeSH D009386, MONDO:0015356.
Cardiovascular phenotype. Identifiers: MedGen CN230736.
Neurofibromatosis, type 1 (NF1). Also called: Neurofibromatosis, type I; NEUROFIBROMATOSIS, TYPE I, SOMATIC; Peripheral type neurofibromatosis; VON RECKLINGHAUSEN DISEASE. Identifiers: Orphanet 636, MedGen C0027831, MONDO:0018975, OMIM 162200. Disease mechanism: loss of function.

Allele frequency attached by ClinVar (database versions not stated): gnomAD exomes below 0.00001.
gnomAD v4.1: 1 of 1,167,292 alleles (0.000086%); no homozygotes.

Submissions (2):

Ambry Genetics
Classification: Uncertain significance for Cardiovascular phenotype; Hereditary cancer-predisposing syndrome. Last evaluated: 2025-07-12. Review status: criteria provided, single submitter. Criteria: Ambry Variant Classification Scheme 2023. Collection method: clinical testing. Allele origin: germline.
Comment: The p.A188V variant (also known as c.563C>T), located in coding exon 5 of the NF1 gene, results from a C to T substitution at nucleotide position 563. The alanine at codon 188 is replaced by valine, an amino acid with similar properties. This amino acid position is conserved. In addition, this alteration is predicted to be tolerated by in silico analysis. Based on the available evidence, the clinical significance of this variant remains unclear.

Labcorp Genetics (formerly Invitae), Labcorp
Classification: Likely benign for Neurofibromatosis, type 1. Last evaluated: 2023-05-25. Review status: criteria provided, single submitter. Criteria: Invitae Variant Classification Sherloc (09022015). Collection method: clinical testing. Allele origin: germline.

NM_001042492.3(NF1):c.563C>T (p.Ala188Val)

Gene: NF1 (neurofibromin 1; plus strand). Cytogenetic location: 17q11.2.
Variant type: single nucleotide variant.
Coding change: c.563C>T on transcript NM_001042492.3 (MANE Select); coding-DNA position 563, C replaced by T.
Protein change: p.Ala188Val; replaces alanine 188 with valine.
Molecular consequence: missense variant.
Genome position (GRCh38, 1-based): chr17:31,169,974, C>T. VCF-style: chr17-31169974-C-T. GRCh37 (hg19) VCF-style: chr17-29496992-C-T.
Other names: c.563C>T, p.Ala188Val (NM_000267.4, NM_001128147.3); short protein forms A188V.
Identifiers: ClinVar variation 404505 (VCV000404505.6), dbSNP rs1060500309, ClinGen allele CA16615136.
Genomic context (GRCh38, chr17:31,169,974, plus strand): 5'-CAGAAGACAATGTTGATGTTCATGATATAGAATTGTTACAGTATATCAATGTGGATTGTG[C>T]AAAATTAAAACGACTCCTGAAGGGTAAGTTTAAATGTATAATATATCTGAAAAAAATCAC-3'
Protein context (NP_001035957.1, residues 178-198): ELLQYINVDC[Ala188Val]KLKRLLKETA